The following is an entry in ClinVar:

ClinVar aggregate classification (germline): Pathogenic (1 of 4 stars; one submission).

Conditions:
Ehlers-Danlos syndrome, kyphoscoliotic type 1 (EDSKSCL1). Also called: EHLERS-DANLOS SYNDROME, OCULAR-SCOLIOTIC TYPE; Ehlers-Danlos syndrome, hydroxylysine-deficient; EHLERS-DANLOS SYNDROME, TYPE VIA; PLOD1-Related Kyphoscoliotic Ehlers-Danlos Syndrome. Identifiers: Orphanet 1900, MedGen C0268342, MONDO:0016002, OMIM 225400. Disease mechanism: loss of function.

Submission:

Labcorp Genetics (formerly Invitae), Labcorp
Classification: Pathogenic for Ehlers-Danlos syndrome, kyphoscoliotic type 1. Last evaluated: 2021-10-14. Review status: criteria provided, single submitter. Criteria: Invitae Variant Classification Sherloc (09022015). Collection method: clinical testing. Allele origin: germline.
Comment: For these reasons, this variant has been classified as Pathogenic. This variant has not been reported in the literature in individuals affected with PLOD1-related conditions. This variant is a gross deletion of the genomic region encompassing exon(s) 6 of the PLOD1 gene. This deletion is out-of-frame, and is expected to create a premature termination codon and result in an absent or disrupted protein product. Loss-of-function variants in PLOD1 are known to be pathogenic (PMID: 10874315, 21699693).

Literature cited by the submitters: PubMed 10874315; PubMed 21699693.

NC_000001.10:g.(?_12014867)_(12014970_?)del

Gene: PLOD1 (procollagen-lysine,2-oxoglutarate 5-dioxygenase 1; plus strand). Cytogenetic location: 1p36.22.
Variant type: Deletion.
Identifiers: ClinVar variation 1460062 (VCV001460062.6).